The following is an entry in ClinVar:

NM_001035.3(RYR2):c.3105C>T (p.Tyr1035=)

Gene: RYR2 (ryanodine receptor 2; plus strand). Cytogenetic location: 1q43.
Variant type: single nucleotide variant.
Coding change: c.3105C>T on transcript NM_001035.3 (MANE Select); coding-DNA position 3105, C replaced by T.
Protein change: p.Tyr1035=; no amino-acid change (tyrosine 1035 retained).
Molecular consequence: synonymous variant.
Genome position (GRCh38, 1-based): chr1:237,550,582, C>T. VCF-style: chr1-237550582-C-T. GRCh37 (hg19) VCF-style: chr1-237713882-C-T.
Other names: c.3105C>T, p.Tyr1035= (LRG_402t1).
Identifiers: ClinVar variation 296717 (VCV000296717.18), dbSNP rs747358776, ClinGen allele CA086309.

ClinVar aggregate classification (germline): Conflicting classifications of pathogenicity. Review status: criteria provided, conflicting classifications (1 of 4 stars). 5 submissions from 4 submitters: Uncertain significance (2); Likely benign (3). Last evaluated 2025-08-30.

Conditions:
Cardiovascular phenotype. Identifiers: MedGen CN230736.
Catecholaminergic polymorphic ventricular tachycardia (CVPT). Also called: Catecholamine-induced polymorphic ventricular tachycardia. Identifiers: Orphanet 3286, MedGen C5574922, MONDO:0017990.
Catecholaminergic polymorphic ventricular tachycardia 1. Also called: VENTRICULAR TACHYCARDIA, CATECHOLAMINERGIC POLYMORPHIC, 1, WITH OR WITHOUT ATRIAL DYSFUNCTION AND/OR DILATED CARDIOMYOPATHY; VENTRICULAR TACHYCARDIA, STRESS-INDUCED POLYMORPHIC 1; RYR2-Related Catecholaminergic Polymorphic Ventricular Tachycardia. Identifiers: Orphanet 3286, MedGen C1631597, MONDO:0011484, OMIM 604772.
Arrhythmogenic right ventricular dysplasia 2. Identifiers: MedGen C1832931.

Allele frequency attached by ClinVar (database versions not stated): gnomAD exomes below 0.00001 and 0.00001; TOPMed below 0.00001; ExAC 0.00001.
gnomAD v4.1: 5 of 1,608,414 alleles (0.00031%); highest among the groups gnomAD compares: Admixed American, 0.0034%; no homozygotes.

Submissions (5):

Labcorp Genetics (formerly Invitae), Labcorp
Classification: Likely benign for Catecholaminergic polymorphic ventricular tachycardia 1. Last evaluated: 2025-08-30. Review status: criteria provided, single submitter. Criteria: Invitae Variant Classification Sherloc (09022015). Collection method: clinical testing. Allele origin: germline.

All of Us Research Program, National Institutes of Health
Classification: Likely benign for Catecholaminergic polymorphic ventricular tachycardia. Last evaluated: 2023-06-26. Review status: criteria provided, single submitter. Criteria: ACMG Guidelines, 2015. Collection method: clinical testing. Allele origin: germline. Inheritance: Autosomal dominant inheritance. Observed: 1 variant allele, 1 heterozygote.
Comment: This study involves interpretation of variants in research participants for the purpose of population health screening. Participant phenotype was not available at the time of variant classification. Additional details can be found in publication PMID: 35346344, PMCID: PMC8962531

Ambry Genetics
Classification: Likely benign for Cardiovascular phenotype. Last evaluated: 2020-07-19. Review status: criteria provided, single submitter. Criteria: Ambry Variant Classification Scheme 2023. Collection method: clinical testing. Allele origin: germline.

Illumina Laboratory Services, Illumina
Classification: Uncertain significance for Catecholaminergic polymorphic ventricular tachycardia 1. Last evaluated: 2018-01-13. Review status: criteria provided, single submitter. Criteria: ICSL Variant Classification Criteria 13 December 2019. Collection method: clinical testing. Allele origin: germline.

Illumina Laboratory Services, Illumina
Classification: Uncertain significance for Catecholaminergic polymorphic ventricular tachycardia 1. Last evaluated: 2018-01-13. Review status: criteria provided, single submitter. Criteria: ICSL Variant Classification Criteria 13 December 2019. Collection method: clinical testing. Allele origin: germline.